The following is an entry in ClinVar:

NM_001164277.2(SLC37A4):c.686del (p.Leu229fs)

Gene: SLC37A4 (solute carrier family 37 member 4; minus strand). Cytogenetic location: 11q23.3.
Variant type: Deletion.
Coding change: c.686del on transcript NM_001164277.2 (MANE Select); coding-DNA position 686, one base deleted (T; older notation c.686delT).
Protein change: p.Leu229fs; shifts the reading frame from leucine 229.
Molecular consequence: frameshift variant.
Genome position (GRCh38, 1-based): chr11:119,027,035, A deleted on the plus strand (T on the coding strand, the reverse complement: SLC37A4 is on the minus strand). VCF-style (leftmost placement, unchanged base first): chr11-119027034-GA-G. GRCh37 (hg19) VCF-style: chr11-118897744-GA-G.
Other names: c.686del, p.Leu229fs (NM_001164278.2, NM_001164280.2, NM_001467.6); c.467del, p.Leu156fs (NM_001164279.2); short protein forms L229fs, L156fs.
Identifiers: ClinVar variation 2107823 (VCV002107823.4), dbSNP rs2497023809, ClinGen allele CA2580083688.

ClinVar aggregate classification (germline): Pathogenic (1 of 4 stars; one submission).

Conditions:
Glucose-6-phosphate transport defect (GSD1B). Also called: Glycogen Storage Disease Type Ib; GSD Ib. Identifiers: Orphanet 364, Orphanet 79259, MedGen C0268146, MONDO:0009288, OMIM 232220.

Submission:

Labcorp Genetics (formerly Invitae), Labcorp
Classification: Pathogenic for Glucose-6-phosphate transport defect. Last evaluated: 2022-10-17. Review status: criteria provided, single submitter. Criteria: Invitae Variant Classification Sherloc (09022015). Collection method: clinical testing. Allele origin: germline.
Comment: This variant has not been reported in the literature in individuals affected with SLC37A4-related conditions. For these reasons, this variant has been classified as Pathogenic. This variant is not present in population databases (gnomAD no frequency). This sequence change creates a premature translational stop signal (p.Leu229Profs*11) in the SLC37A4 gene. It is expected to result in an absent or disrupted protein product. Loss-of-function variants in SLC37A4 are known to be pathogenic (PMID: 9758626, 10940311).

Literature cited by the submitters: PubMed 9758626; PubMed 10940311.